The following is an entry in ClinVar:

NM_000532.5(PCCB):c.134C>G (p.Thr45Ser)

Gene: PCCB (propionyl-CoA carboxylase subunit beta; plus strand). Cytogenetic location: 3q22.3.
Variant type: single nucleotide variant.
Coding change: c.134C>G on transcript NM_000532.5 (MANE Select); coding-DNA position 134, C replaced by G.
Protein change: p.Thr45Ser; replaces threonine 45 with serine.
Molecular consequence: missense variant.
Genome position (GRCh38, 1-based): chr3:136,250,509, C>G. VCF-style: chr3-136250509-C-G. GRCh37 (hg19) VCF-style: chr3-135969351-C-G.
Other names: c.134C>G, p.Thr45Ser (NM_001178014.2); short protein forms T45S.
Identifiers: ClinVar variation 1975652 (VCV001975652.3), dbSNP rs1294710898, ClinGen allele CA354738057.

ClinVar aggregate classification (germline): Uncertain significance (1 of 4 stars; one submission).

Conditions:
Propionic acidemia (PROP). Also called: GLYCINEMIA, KETOTIC; HYPERGLYCINEMIA WITH KETOACIDOSIS AND LEUKOPENIA; KETOTIC HYPERGLYCINEMIA. Identifiers: Orphanet 35, MedGen C0268579, MONDO:0011628, OMIM 606054, HP:0003571.

gnomAD v4.1: 1 of 1,613,064 alleles (0.000062%); highest among the groups gnomAD compares: Non-Finnish European, 0.000085%; no homozygotes.

Submission:

Labcorp Genetics (formerly Invitae), Labcorp
Classification: Uncertain significance for Propionic acidemia. Last evaluated: 2022-08-07. Review status: criteria provided, single submitter. Criteria: Invitae Variant Classification Sherloc (09022015). Collection method: clinical testing. Allele origin: germline.
Comment: In summary, the available evidence is currently insufficient to determine the role of this variant in disease. Therefore, it has been classified as a Variant of Uncertain Significance. Advanced modeling of protein sequence and biophysical properties (such as structural, functional, and spatial information, amino acid conservation, physicochemical variation, residue mobility, and thermodynamic stability) performed at Invitae indicates that this missense variant is not expected to disrupt PCCB protein function. This variant has not been reported in the literature in individuals affected with PCCB-related conditions. This variant is not present in population databases (gnomAD no frequency). This sequence change replaces threonine, which is neutral and polar, with serine, which is neutral and polar, at codon 45 of the PCCB protein (p.Thr45Ser).